The following is an entry in ClinVar:

NM_006393.3(NEBL):c.153+1G>A

Gene: NEBL (nebulette; minus strand). Cytogenetic location: 10p12.31.
Variant type: single nucleotide variant.
Coding change: c.153+1G>A on transcript NM_006393.3 (MANE Select); the canonical splice donor site of the intron after coding-DNA position 153, G replaced by A.
Molecular consequence: splice donor variant. On other transcripts: intron variant (9).
Genome position (GRCh38, 1-based): chr10:20,896,957, C>T on the plus strand (G>A on the coding strand, the complement: NEBL is on the minus strand). VCF-style: chr10-20896957-C-T. GRCh37 (hg19) VCF-style: chr10-21185886-C-T.
Other names: c.249+64715G>A (NM_001377326.1, NM_001377327.1, NM_001377328.1); c.357+64715G>A (NM_213569.2, NM_001173484.2, NM_001377322.1); c.300+64715G>A (NM_001377324.1); c.291+64715G>A (NM_001377325.1); c.309+64715G>A (NM_001377323.1).
Identifiers: ClinVar variation 2991483 (VCV002991483.3), dbSNP rs754255016, ClinGen allele CA5433364.

ClinVar aggregate classification (germline): Uncertain significance (1 of 4 stars; one submission).

Conditions:
Primary dilated cardiomyopathy (DCM). Also called: Dilated Cardiomyopathy. Identifiers: Orphanet 217604, MedGen C0007193, MeSH D002311, MONDO:0005021, HP:0001644. Inheritance: Various modes of inheritance.

Allele frequency attached by ClinVar (database versions not stated): ExAC 0.00005; gnomAD exomes 0.00002.
gnomAD v4.1: 30 of 1,613,536 alleles (0.0019%); highest among the groups gnomAD compares: South Asian, 0.031%; no homozygotes.

Submission:

Labcorp Genetics (formerly Invitae), Labcorp
Classification: Uncertain significance for Primary dilated cardiomyopathy. Last evaluated: 2025-05-15. Review status: criteria provided, single submitter. Criteria: Invitae Variant Classification Sherloc (09022015). Collection method: clinical testing. Allele origin: germline.
Comment: This sequence change affects a donor splice site in intron 2 of the NEBL gene. It is expected to disrupt RNA splicing. Variants that disrupt the donor or acceptor splice site typically lead to a loss of protein function (PMID: 16199547), however the current clinical and genetic evidence is not sufficient to establish whether loss-of-function variants in NEBL cause disease. This variant is present in population databases (rs754255016, gnomAD 0.02%). This variant has not been reported in the literature in individuals affected with NEBL-related conditions. ClinVar contains an entry for this variant (Variation ID: 2991483). Algorithms developed to predict the effect of sequence changes on RNA splicing suggest that this variant may disrupt the consensus splice site. In summary, the available evidence is currently insufficient to determine the role of this variant in disease. Therefore, it has been classified as a Variant of Uncertain Significance.

Literature cited by the submitters: PubMed 16199547.